The following is an entry in ClinVar:

ClinVar aggregate classification (germline): Uncertain significance. Review status: criteria provided, multiple submitters, no conflicts (2 of 4 stars). 4 submissions from 4 submitters: Uncertain significance (4). Last evaluated 2025-09-13.

Allele frequency attached by ClinVar (database versions not stated): 1000 Genomes Project 30x 0.00016; 1000 Genomes Project 0.00020.
gnomAD v4.1: 32 of 1,554,096 alleles (0.0021%); highest among the groups gnomAD compares: Admixed American, 0.043%; no homozygotes.

Submissions (4):

Labcorp Genetics (formerly Invitae), Labcorp
Classification: Uncertain significance. Last evaluated: 2025-09-13. Review status: criteria provided, single submitter. Criteria: Invitae Variant Classification Sherloc (09022015). Collection method: clinical testing. Allele origin: germline.
Comment: This sequence change affects codon 893 of the COL2A1 mRNA. It is a 'silent' change, meaning that it does not change the encoded amino acid sequence of the COL2A1 protein. This variant also falls at the last nucleotide of exon 40, which is part of the consensus splice site for this exon. This variant is present in population databases (rs369684691, gnomAD 0.04%). This variant has not been reported in the literature in individuals affected with COL2A1-related conditions. ClinVar contains an entry for this variant (Variation ID: 288203). Variants that disrupt the consensus splice site are a relatively common cause of aberrant splicing (PMID: 17576681, 9536098). Algorithms developed to predict the effect of sequence changes on RNA splicing suggest that this variant may disrupt the consensus splice site. In summary, the available evidence is currently insufficient to determine the role of this variant in disease. Therefore, it has been classified as a Variant of Uncertain Significance.

GeneDx
Classification: Uncertain significance. Last evaluated: 2024-09-26. Review status: criteria provided, single submitter. Criteria: GeneDx Variant Classification Process June 2021. Collection method: clinical testing. Allele origin: germline. Affected: yes.
Comment: Has not been previously published as pathogenic or benign to our knowledge; In silico analysis suggests this variant may impact gene splicing. In the absence of RNA/functional studies, the actual effect of this sequence change is unknown.

Women's Health and Genetics/Laboratory Corporation of America, LabCorp
Classification: Uncertain significance. Last evaluated: 2022-04-09. Review status: criteria provided, single submitter. Criteria: LabCorp Variant Classification Summary - May 2015. Collection method: clinical testing. Allele origin: germline.
Comment: Variant summary: COL2A1 c.2679G>C (p.Pro893Pro) alters a non-conserved nucleotide located as the last nucleotide of the exon adjacent to a canonical splice site and therefore could affect mRNA splicing, leading to a significantly altered protein sequence. Several computational tools predict a small but significant impact on normal splicing: Four predict the variant weakens the canonical 5' splice donor site. However, these predictions have yet to be confirmed by functional studies. The variant allele was found at a frequency of 6.2e-05 in 160180 control chromosomes. The observed variant frequency is approximately 5 fold of the estimated maximal expected allele frequency for a pathogenic variant in COL2A1 causing Achondrogenesis, Type II phenotype (1.3e-05), strongly suggesting that the variant is benign. To our knowledge, no occurrence of c.2679G>C in individuals affected with Achondrogenesis, Type II and no experimental evidence demonstrating its impact on protein function have been reported. Two clinical diagnostic laboratories have submitted clinical-significance assessments for this variant to ClinVar after 2014 without evidence for independent evaluation. All laboratories classified the variant as uncertain significance. Based on the evidence outlined above, the variant was classified as VUS-possibly benign.

Eurofins Ntd Llc (ga)
Classification: Uncertain significance. Last evaluated: 2016-06-28. Review status: criteria provided, single submitter. Criteria: EGL Classification Definitions 2015. Collection method: clinical testing. Allele origin: germline. Observed: 1 variant allele, 1 heterozygote.

Literature cited by the submitters: PubMed 17576681 (cited by Labcorp Genetics (formerly Invitae), Labcorp); PubMed 9536098 (cited by Labcorp Genetics (formerly Invitae), Labcorp).

NM_001844.5(COL2A1):c.2679G>C (p.Pro893=)

Gene: COL2A1 (collagen type II alpha 1 chain; minus strand). Cytogenetic location: 12q13.11.
Variant type: single nucleotide variant.
Coding change: c.2679G>C on transcript NM_001844.5 (MANE Select); coding-DNA position 2679, G replaced by C.
Protein change: p.Pro893=; no amino-acid change (proline 893 retained).
Molecular consequence: synonymous variant.
Genome position (GRCh38, 1-based): chr12:47,980,009, C>G on the plus strand (G>C on the coding strand, the complement: COL2A1 is on the minus strand). VCF-style: chr12-47980009-C-G. GRCh37 (hg19) VCF-style: chr12-48373792-C-G.
Other names: c.2472G>C, p.Pro824= (NM_033150.3).
Identifiers: ClinVar variation 288203 (VCV000288203.16), dbSNP rs369684691, ClinGen allele CA10606002.